The following is an entry in ClinVar:

ClinVar aggregate classification (germline): Benign/Likely benign. Review status: criteria provided, multiple submitters, no conflicts (2 of 4 stars). 3 submissions from 3 submitters: Benign (2); Likely benign (1). Last evaluated 2026-09-01.

Allele frequency attached by ClinVar (database versions not stated): 1000 Genomes Project 30x 0.00109; TOPMed 0.00139; 1000 Genomes Project 0.00140; ESP Exome Variant Server 0.00208; gnomAD 0.00627.
gnomAD v4.1: 5,302 of 1,614,228 alleles (0.33%); highest among the groups gnomAD compares: Non-Finnish European, 0.24%; 32 homozygotes.

Submissions (3):

CeGaT Center for Human Genetics Tuebingen
Classification: Likely benign. Last evaluated: 2026-09-01. Review status: criteria provided, single submitter. Criteria: CeGaT Center For Human Genetics Tuebingen Variant Classification Criteria Version 2. Collection method: clinical testing. Allele origin: germline. Affected: yes. Observed: 16 variant alleles.
Comment: AGO2: BP4, BP7, BS1

Labcorp Genetics (formerly Invitae), Labcorp
Classification: Benign. Last evaluated: 2018-07-10. Review status: criteria provided, single submitter. Criteria: Invitae Variant Classification Sherloc (09022015). Collection method: clinical testing. Allele origin: germline.

Breakthrough Genomics
Classification: Benign. Review status: criteria provided, single submitter. Criteria: ACMG Guidelines, 2015. Collection method: not provided. Allele origin: germline. Inheritance: Autosomal dominant inheritance. Affected: yes.

NM_012154.5(AGO2):c.615C>A (p.Ser205=)

Genes: AGO2 (argonaute RISC catalytic component 2; minus strand), LOC126860545 (MED14-independent group 3 enhancer GRCh37_chr8:141569579-141570778; plus strand). Cytogenetic location: 8q24.3.
Variant type: single nucleotide variant.
Coding change: c.615C>A on transcript NM_012154.5 (MANE Select); coding-DNA position 615, C replaced by A.
Protein change: p.Ser205=; no amino-acid change (serine 205 retained).
Molecular consequence: synonymous variant.
Genome position (GRCh38, 1-based): chr8:140,560,414, G>T on the plus strand (C>A on the coding strand, the complement: AGO2 is on the minus strand). VCF-style: chr8-140560414-G-T. GRCh37 (hg19) VCF-style: chr8-141570513-G-T.
Other names: c.615C>A, p.Ser205= (NM_001164623.3).
Identifiers: ClinVar variation 714622 (VCV000714622.35), dbSNP rs140423429, ClinGen allele CA4894643.